The following is an entry in ClinVar:

ClinVar aggregate classification (germline): Uncertain significance. Review status: criteria provided, multiple submitters, no conflicts (2 of 4 stars). 2 submissions from 2 submitters: Uncertain significance (2). Last evaluated 2025-06-03.

Allele frequency attached by ClinVar (database versions not stated): ExAC 0.00013; ESP Exome Variant Server 0.00016; TOPMed 0.00005.
gnomAD v4.1: 241 of 1,563,950 alleles (0.015%); highest among the groups gnomAD compares: Non-Finnish European, 0.015%; no homozygotes.

Submissions (2):

Ambry Genetics
Classification: Uncertain significance. Last evaluated: 2025-06-03. Review status: criteria provided, single submitter. Criteria: Ambry Variant Classification Scheme 2023. Collection method: clinical testing. Allele origin: germline.

Labcorp Genetics (formerly Invitae), Labcorp
Classification: Uncertain significance. Last evaluated: 2024-11-27. Review status: criteria provided, single submitter. Criteria: Invitae Variant Classification Sherloc (09022015). Collection method: clinical testing. Allele origin: germline.
Comment: This sequence change replaces arginine, which is basic and polar, with tryptophan, which is neutral and slightly polar, at codon 943 of the ZNF687 protein (p.Arg943Trp). This variant is present in population databases (rs371340365, gnomAD 0.09%), and has an allele count higher than expected for a pathogenic variant. This variant has not been reported in the literature in individuals affected with ZNF687-related conditions. ClinVar contains an entry for this variant (Variation ID: 2062718). An algorithm developed to predict the effect of missense changes on protein structure and function (PolyPhen-2) suggests that this variant is likely to be disruptive. In summary, the available evidence is currently insufficient to determine the role of this variant in disease. Therefore, it has been classified as a Variant of Uncertain Significance.

NM_020832.3(ZNF687):c.2827C>T (p.Arg943Trp)

Gene: ZNF687 (zinc finger protein 687; plus strand). Cytogenetic location: 1q21.3.
Variant type: single nucleotide variant.
Coding change: c.2827C>T on transcript NM_020832.3 (MANE Select); coding-DNA position 2827, C replaced by T.
Protein change: p.Arg943Trp; replaces arginine 943 with tryptophan.
Molecular consequence: missense variant.
Genome position (GRCh38, 1-based): chr1:151,289,870, C>T. VCF-style: chr1-151289870-C-T. GRCh37 (hg19) VCF-style: chr1-151262346-C-T.
Other names: c.2827C>T, p.Arg943Trp (NM_001304763.2, NM_001304764.2); short protein forms R943W.
Identifiers: ClinVar variation 2062718 (VCV002062718.6), dbSNP rs371340365, ClinGen allele CA1088651.
Genomic context (GRCh38, chr1:151,289,870, plus strand): 5'-TCTTCATCTTCAGAAGAGGAGGAAGTACCCAGCTCCCCTGAGCCCCCCCGTCCAGCCAAA[C>T]GGCCTCGGCGGGAACTAGGGAGCAAAGGCCTCAAGGGTGGGGGTGGGGGGCCTGGAGGCT-3'
Protein context (NP_065883.1, residues 933-953): SSPEPPRPAK[Arg943Trp]PRRELGSKGL